The following is an entry in ClinVar:

NM_017637.6(BNC2):c.2739C>T (p.Arg913=)

Gene: BNC2 (basonuclin zinc finger protein 2; minus strand). Cytogenetic location: 9p22.3.
Variant type: single nucleotide variant.
Coding change: c.2739C>T on transcript NM_017637.6 (MANE Select); coding-DNA position 2739, C replaced by T.
Protein change: p.Arg913=; no amino-acid change (arginine 913 retained).
Molecular consequence: synonymous variant. On other transcripts: 3 prime UTR variant (1).
Genome position (GRCh38, 1-based): chr9:16,419,550, G>A on the plus strand (C>T on the coding strand, the complement: BNC2 is on the minus strand). VCF-style: chr9-16419550-G-A. GRCh37 (hg19) VCF-style: chr9-16419548-G-A.
Other names: c.*83C>T (NM_001317939.2); c.2454C>T, p.Arg818= (NM_001317940.2).
Identifiers: ClinVar variation 120237 (VCV000120237.4), dbSNP rs189895388, ClinGen allele CA204332.

ClinVar aggregate classification (germline): Likely benign. Review status: criteria provided, single submitter (1 of 4 stars). 2 submissions from 2 submitters: Likely benign (1). 1 of the submissions does not count toward it. Last evaluated 2025-05-17.

Conditions:
Hypotension. Also called: Hypotensive disorder; low blood pressure. Identifiers: MedGen C0020649, MONDO:0005468, HP:0002615, MeSH D007022.

Allele frequency attached by ClinVar (database versions not stated): ESP Exome Variant Server 0.00015; 1000 Genomes Project 30x 0.00016; TOPMed 0.00001.
gnomAD v4.1: 173 of 1,613,958 alleles (0.011%); highest among the groups gnomAD compares: Middle Eastern, 0.16%; 2 homozygotes.

Submissions (2):

Labcorp Genetics (formerly Invitae), Labcorp
Classification: Likely benign. Last evaluated: 2025-05-17. Review status: criteria provided, single submitter. Criteria: Invitae Variant Classification Sherloc (09022015). Collection method: clinical testing. Allele origin: germline.

Centre for molecular medicine, Karolinska Institutet
No classification provided. Condition: Hypotension. Review status: no classification provided. Collection method: not provided. Allele origin: not provided. Not counted in ClinVar's aggregate classification.
Comment: hold until published